The following is an entry in ClinVar:

ClinVar aggregate classification (germline): Likely benign. Review status: criteria provided, multiple submitters, no conflicts (2 of 4 stars). 3 submissions from 3 submitters: Likely benign (3). Last evaluated 2026-09-01.

Conditions:
Hyperammonemic encephalopathy due to carbonic anhydrase VA deficiency. Also called: Carbonic Anhydrase VA Deficiency; Carbonic anhydrase VA deficiency, hyperammonemia due to. Identifiers: Orphanet 401948, MedGen C4706871, MONDO:0014332, OMIM 615751.

Allele frequency attached by ClinVar (database versions not stated): gnomAD 0.00006 and 0.00007; TOPMed 0.00011; ESP Exome Variant Server 0.00015; gnomAD exomes 0.00018 and 0.00027; ExAC 0.00023.
gnomAD v4.1: 276 of 1,603,266 alleles (0.017%); highest among the groups gnomAD compares: Middle Eastern, 0.13%; no homozygotes.

Submissions (3):

CeGaT Center for Human Genetics Tuebingen
Classification: Likely benign. Last evaluated: 2026-09-01. Review status: criteria provided, single submitter. Criteria: CeGaT Center For Human Genetics Tuebingen Variant Classification Criteria Version 2. Collection method: clinical testing. Allele origin: germline. Affected: yes. Observed: 2 variant alleles.
Comment: CA5A: BP4, BP7

Labcorp Genetics (formerly Invitae), Labcorp
Classification: Likely benign for Hyperammonemic encephalopathy due to carbonic anhydrase VA deficiency. Last evaluated: 2025-08-04. Review status: criteria provided, single submitter. Criteria: Invitae Variant Classification Sherloc (09022015). Collection method: clinical testing. Allele origin: germline.

Breakthrough Genomics
Classification: Likely benign. Review status: criteria provided, single submitter. Criteria: ACMG Guidelines, 2015. Collection method: not provided. Allele origin: germline. Inheritance: Autosomal recessive inheritance. Affected: yes.

NM_001739.2(CA5A):c.450C>T (p.Tyr150=)

Gene: CA5A (carbonic anhydrase 5A; minus strand). Cytogenetic location: 16q24.2.
Variant type: single nucleotide variant.
Coding change: c.450C>T on transcript NM_001739.2 (MANE Select); coding-DNA position 450, C replaced by T.
Protein change: p.Tyr150=; no amino-acid change (tyrosine 150 retained).
Molecular consequence: synonymous variant. On other transcripts: non-coding transcript variant (1).
Genome position (GRCh38, 1-based): chr16:87,904,795, G>A on the plus strand (C>T on the coding strand, the complement: CA5A is on the minus strand). VCF-style: chr16-87904795-G-A. GRCh37 (hg19) VCF-style: chr16-87938401-G-A.
Other names: c.450C>T, p.Tyr150= (NM_001367225.1).
Identifiers: ClinVar variation 733272 (VCV000733272.12), dbSNP rs368084033, ClinGen allele CA8223489.